The following is an entry in ClinVar:

ClinVar aggregate classification (germline): Benign/Likely benign. Review status: criteria provided, multiple submitters, no conflicts (2 of 4 stars). 2 submissions from 2 submitters: Benign (1); Likely benign (1). Last evaluated 2025-04-08.

Conditions:
Tuberous sclerosis 1 (TSC1). Identifiers: Orphanet 805, MedGen C1854465, MONDO:0008612, OMIM 191100.

Submissions (2):

Myriad Genetics, Inc.
Classification: Benign for Tuberous sclerosis 1. Last evaluated: 2025-04-08. Review status: criteria provided, single submitter. Criteria: Myriad Autosomal Dominant, Autosomal Recessive and X-Linked Classification Criteria (2023). Collection method: clinical testing. Allele origin: unknown.
Comment: This variant is considered benign. This variant is a silent/synonymous amino acid change and it is not expected to impact splicing.

Labcorp Genetics (formerly Invitae), Labcorp
Classification: Likely benign for Tuberous sclerosis 1. Last evaluated: 2024-10-22. Review status: criteria provided, single submitter. Criteria: Invitae Variant Classification Sherloc (09022015). Collection method: clinical testing. Allele origin: germline.

NM_000368.5(TSC1):c.264C>T (p.Ser88=)

Gene: TSC1 (TSC complex subunit 1; minus strand). Cytogenetic location: 9q34.13.
Variant type: single nucleotide variant.
Coding change: c.264C>T on transcript NM_000368.5 (MANE Select); coding-DNA position 264, C replaced by T.
Protein change: p.Ser88=; no amino-acid change (serine 88 retained).
Molecular consequence: synonymous variant. On other transcripts: 5 prime UTR variant (18), non-coding transcript variant (5), intron variant (5).
Genome position (GRCh38, 1-based): chr9:132,925,686, G>A on the plus strand (C>T on the coding strand, the complement: TSC1 is on the minus strand). VCF-style: chr9-132925686-G-A. GRCh37 (hg19) VCF-style: chr9-135801073-G-A.
Other names: c.264C>T, p.Ser88= (NM_001162426.2, NM_001406592.1, NM_001406593.1 and 16 more transcripts); c.-100C>T (NM_001362177.2, NM_001406617.1, NM_001406618.1 and 5 more transcripts); c.-192C>T (NM_001406614.1, NM_001406616.1, NM_001406624.1); c.-225C>T (NM_001406615.1, NM_001406623.1); c.-614C>T (NM_001406626.1, NM_001406627.1, NM_001406628.1); c.-756C>T (NM_001406629.1); c.-830C>T (NM_001406630.1); c.210+1515C>T (NM_001406613.1, NM_001406612.1, NM_001406610.1 and 2 more transcripts).
Identifiers: ClinVar variation 1995993 (VCV001995993.5), dbSNP rs2132235789, ClinGen allele CA467594206.